The following is an entry in ClinVar:

NM_000243.3(MEFV):c.298G>C (p.Gly100Arg)

Gene: MEFV (MEFV innate immunity regulator, pyrin; minus strand). Cytogenetic location: 16p13.3.
Variant type: single nucleotide variant.
Coding change: c.298G>C on transcript NM_000243.3 (MANE Select); coding-DNA position 298, G replaced by C.
Protein change: p.Gly100Arg; replaces glycine 100 with arginine.
Molecular consequence: missense variant. On other transcripts: intron variant (1).
Genome position (GRCh38, 1-based): chr16:3,254,770, C>G on the plus strand (G>C on the coding strand, the complement: MEFV is on the minus strand). VCF-style: chr16-3254770-C-G. GRCh37 (hg19) VCF-style: chr16-3304770-C-G.
Other names: c.277+1541G>C (NM_001198536.2); short protein forms G100R.
Identifiers: ClinVar variation 1694338 (VCV001694338.7), dbSNP rs772332566, ClinGen allele CA7860462.
Genomic context (GRCh38, chr16:3,254,770, plus strand): 5'-TCTTCAGGCTCCTGGGCTTGTTCTCCCCCAGGGAGCTGGACGCTGCGGAATCATCTGTGC[C>G]GTTTTCTTGTGTGGAATATTCTGGAAGGACAACCAGATGCAAAATGATGAAGCTGTCCCA-3'
Protein context (NP_000234.1, residues 90-110): AIQEYSTQEN[Gly100Arg]TDDSAASSSL

ClinVar aggregate classification (germline): Conflicting classifications of pathogenicity. Review status: criteria provided, conflicting classifications (1 of 4 stars). 6 submissions from 4 submitters: Uncertain significance (4); Likely benign (2). Last evaluated 2023-02-08.

Conditions:
Familial Mediterranean fever, autosomal dominant. Also called: FMF, AUTOSOMAL DOMINANT; Dominant Familial Mediterranean Fever. Identifiers: Orphanet 342, MedGen C1851347, MONDO:0007601, OMIM 134610.
Familial Mediterranean fever (FMF). Also called: POLYSEROSITIS, FAMILIAL PAROXYSMAL; POLYSEROSITIS, RECURRENT; Periodic peritonitis; Benign paroxysmal peritonitis. Identifiers: Orphanet 342, MedGen C0031069, MONDO:0018088, OMIM 249100. Disease mechanism: gain of function.
Acute febrile neutrophilic dermatosis (AFND). Also called: Sweet Syndrome; Gomm Button disease. Identifiers: Orphanet 3243, MedGen C0085077, MONDO:0011959, OMIM 608068.
Autoinflammatory syndrome. Identifiers: Orphanet 93665, MedGen C3890737, MONDO:0019751.

Allele frequency attached by ClinVar (database versions not stated): TOPMed below 0.00001; ExAC 0.00001.
gnomAD v4.1: 16 of 1,612,300 alleles (0.00099%); highest among the groups gnomAD compares: Non-Finnish European, 0.001%; no homozygotes.

Submissions (6):

Genome-Nilou Lab
Classification: Uncertain significance for Familial Mediterranean fever. Last evaluated: 2023-02-08. Review status: criteria provided, single submitter. Criteria: ACMG Guidelines, 2015. Collection method: clinical testing. Allele origin: germline.

Genome-Nilou Lab
Classification: Likely benign for Familial Mediterranean fever, autosomal dominant. Last evaluated: 2023-02-08. Review status: criteria provided, single submitter. Criteria: ACMG Guidelines, 2015. Collection method: clinical testing. Allele origin: germline.

Genome-Nilou Lab
Classification: Likely benign for Acute febrile neutrophilic dermatosis. Last evaluated: 2023-02-08. Review status: criteria provided, single submitter. Criteria: ACMG Guidelines, 2015. Collection method: clinical testing. Allele origin: germline.

Labcorp Genetics (formerly Invitae), Labcorp
Classification: Uncertain significance for Familial Mediterranean fever. Last evaluated: 2022-06-22. Review status: criteria provided, single submitter. Criteria: Invitae Variant Classification Sherloc (09022015). Collection method: clinical testing. Allele origin: germline.
Comment: This sequence change replaces glycine, which is neutral and non-polar, with arginine, which is basic and polar, at codon 100 of the MEFV protein (p.Gly100Arg). This variant is present in population databases (rs772332566, gnomAD 0.0009%). This variant has not been reported in the literature in individuals affected with MEFV-related conditions. Algorithms developed to predict the effect of missense changes on protein structure and function output the following: SIFT: "Tolerated"; PolyPhen-2: "Benign"; Align-GVGD: "Class C0". The arginine amino acid residue is found in multiple mammalian species, which suggests that this missense change does not adversely affect protein function. In summary, the available evidence is currently insufficient to determine the role of this variant in disease. Therefore, it has been classified as a Variant of Uncertain Significance.

Fulgent Genetics
Classification: Uncertain significance for Familial Mediterranean fever, autosomal dominant; Familial Mediterranean fever; Acute febrile neutrophilic dermatosis. Last evaluated: 2021-12-25. Review status: criteria provided, single submitter. Criteria: ACMG Guidelines, 2015. Collection method: clinical testing. Allele origin: unknown.

Genome Diagnostics Laboratory, The Hospital for Sick Children
Classification: Uncertain significance for Autoinflammatory syndrome. Last evaluated: 2021-12-09. Review status: criteria provided, single submitter. Criteria: ACMG Guidelines, 2015. Collection method: clinical testing. Allele origin: germline. Affected: yes.